The following is an entry in ClinVar:

ClinVar aggregate classification (germline): Uncertain significance (1 of 4 stars; one submission).

Conditions:
Hereditary cancer-predisposing syndrome. Also called: Neoplastic Syndromes, Hereditary; Tumor predisposition; Hereditary Cancer Syndrome; Hereditary neoplastic syndrome. Identifiers: Orphanet 140162, MedGen C0027672, MeSH D009386, MONDO:0015356.

Submission:

Ambry Genetics
Classification: Uncertain significance for Hereditary cancer-predisposing syndrome. Last evaluated: 2025-12-10. Review status: criteria provided, single submitter. Criteria: Ambry Variant Classification Scheme 2023. Collection method: clinical testing. Allele origin: germline.
Comment: The p.Y256F variant (also known as c.767A>T), located in coding exon 4 of the MSH3 gene, results from an A to T substitution at nucleotide position 767. The tyrosine at codon 256 is replaced by phenylalanine, an amino acid with highly similar properties. This amino acid position is conserved. In addition, the in silico prediction for this alteration is inconclusive. Based on the available evidence, the clinical significance of this variant remains unclear.

NM_002439.5(MSH3):c.767A>T (p.Tyr256Phe)

Gene: MSH3 (mutS homolog 3; plus strand). Cytogenetic location: 5q14.1.
Variant type: single nucleotide variant.
Coding change: c.767A>T on transcript NM_002439.5 (MANE Select); coding-DNA position 767, A replaced by T.
Protein change: p.Tyr256Phe; replaces tyrosine 256 with phenylalanine.
Molecular consequence: missense variant.
Genome position (GRCh38, 1-based): chr5:80,670,284, A>T. VCF-style: chr5-80670284-A-T. GRCh37 (hg19) VCF-style: chr5-79966103-A-T.
Other names: short protein forms Y256F.
Identifiers: ClinVar variation 4655044 (VCV004655044.1).
Genomic context (GRCh38, chr5:80,670,284, plus strand): 5'-ACATAGAAATGAAGCAGCAGCACAAAGATGCAGTTTTGTGTGTGGAATGTGGATATAAGT[A>T]TAGATTCTTTGGGGAAGATGCAGAGGTAAGTCGTCTTTTCAGGCACTATTTTATATTTTT-3'
Protein context (NP_002430.3, residues 246-266): AVLCVECGYK[Tyr256Phe]RFFGEDAEIA